The following is an entry in ClinVar:

ClinVar aggregate classification (germline): Benign/Likely benign. Review status: criteria provided, multiple submitters, no conflicts (2 of 4 stars). 12 submissions from 9 submitters: Benign (8); Likely benign (2). 2 of the submissions do not count toward it. Last evaluated 2026-02-03.

Conditions:
Early-onset myopathy with fatal cardiomyopathy (CMYO5). Also called: CONGENITAL MYOPATHY 5 WITH CARDIOMYOPATHY; Salih Myopathy. Identifiers: Orphanet 289377, MedGen C2673677, MONDO:0012714, OMIM 611705. Disease mechanism: loss of function.
Tibial muscular dystrophy (TMD). Also called: Tibial muscular dystrophy, tardive; UDD MYOPATHY; Udd Distal Myopathy – Tibial Muscular Dystrophy. Identifiers: Orphanet 609, MedGen C1838244, MONDO:0010870, OMIM 600334.
Autosomal recessive limb-girdle muscular dystrophy type 2J (LGMDR10). Also called: Limb-girdle muscular dystrophy, type 2J; MUSCULAR DYSTROPHY, LIMB-GIRDLE, AUTOSOMAL RECESSIVE 10. Identifiers: Orphanet 140922, MedGen C1837342, MONDO:0012127, OMIM 608807.
Dilated cardiomyopathy 1G (CMD1G). Identifiers: Orphanet 154, MedGen C1858763, MONDO:0011400, OMIM 604145.
Myopathy, myofibrillar, 9, with early respiratory failure (MFM9). Also called: Hereditary myopathy with early respiratory failure; EDSTROM MYOPATHY; MYOPATHY, PROXIMAL, WITH EARLY RESPIRATORY MUSCLE INVOLVEMENT; Myopathy, distal, with early respiratory failure, autosomal dominant. Identifiers: Orphanet 178464, Orphanet 34521, MedGen C1863599, MONDO:0011362, OMIM 603689.

Allele frequency attached by ClinVar (database versions not stated): gnomAD exomes 0.00024; ExAC 0.00027; 1000 Genomes Project 30x 0.00094; gnomAD 0.00097 and 0.00099; 1000 Genomes Project 0.00100; TOPMed 0.00100; ESP Exome Variant Server 0.00101.
gnomAD v4.1: 278 of 1,610,666 alleles (0.017%); highest among the groups gnomAD compares: African/African-American, 0.34%; 1 homozygote.

Submissions (12):

Labcorp Genetics (formerly Invitae), Labcorp
Classification: Benign for Dilated cardiomyopathy 1G; Autosomal recessive limb-girdle muscular dystrophy type 2J. Last evaluated: 2026-02-03. Review status: criteria provided, single submitter. Criteria: Invitae Variant Classification Sherloc (09022015). Collection method: clinical testing. Allele origin: germline.

Blueprint Genetics
Classification: Likely benign. Last evaluated: 2022-11-21. Review status: criteria provided, single submitter. Criteria: ACMG Guidelines, 2015. Collection method: clinical testing. Allele origin: germline.

ARUP Laboratories, Molecular Genetics and Genomics, ARUP Laboratories
Classification: Likely benign. Last evaluated: 2022-03-08. Review status: criteria provided, single submitter. Criteria: ARUP Molecular Germline Variant Investigation Process 2021. Collection method: clinical testing. Allele origin: germline.

Genome-Nilou Lab
Classification: Benign for Autosomal recessive limb-girdle muscular dystrophy type 2J. Last evaluated: 2021-09-10. Review status: criteria provided, single submitter. Criteria: ACMG Guidelines, 2015. Collection method: clinical testing. Allele origin: germline. Affected: no.

Genome-Nilou Lab
Classification: Benign for Myopathy, myofibrillar, 9, with early respiratory failure. Last evaluated: 2021-09-10. Review status: criteria provided, single submitter. Criteria: ACMG Guidelines, 2015. Collection method: clinical testing. Allele origin: germline. Affected: no.

Genome-Nilou Lab
Classification: Benign for Early-onset myopathy with fatal cardiomyopathy. Last evaluated: 2021-09-10. Review status: criteria provided, single submitter. Criteria: ACMG Guidelines, 2015. Collection method: clinical testing. Allele origin: germline. Affected: no.

Genome-Nilou Lab
Classification: Benign for Tibial muscular dystrophy. Last evaluated: 2021-09-10. Review status: criteria provided, single submitter. Criteria: ACMG Guidelines, 2015. Collection method: clinical testing. Allele origin: germline. Affected: no.

Women's Health and Genetics/Laboratory Corporation of America, LabCorp
Classification: Benign. Last evaluated: 2020-08-24. Review status: criteria provided, single submitter. Criteria: LabCorp Variant Classification Summary - May 2015. Collection method: clinical testing. Allele origin: germline.
Comment: Variant summary: TTN c.31994-13C>T alters a non-conserved nucleotide located close to a canonical splice site and therefore could affect mRNA splicing, leading to a significantly altered protein sequence. 4/4 computational tools predict no significant impact on normal splicing. However, these predictions have yet to be confirmed by functional studies. The variant allele was found at a frequency of 0.00024 in 241980 control chromosomes, predominantly at a frequency of 0.0036 within the African or African-American subpopulation in the gnomAD database, including 1 homozygote. The observed variant frequency within African or African-American control individuals in the gnomAD database is approximately 9-fold the estimated maximal expected allele frequency for a pathogenic variant in TTN causing Dilated Cardiomyopathy phenotype (0.00039), strongly suggesting that the variant is a benign polymorphism found primarily in populations of African or African-American origin. To our knowledge, no occurrence of c.31994-13C>T in individuals affected with Dilated Cardiomyopathy and no experimental evidence demonstrating its impact on protein function have been reported. Two clinical diagnostic laboratories have submitted clinical-significance assessments for this variant to ClinVar after 2014 without evidence for independent evaluation. Both laboratories cited the variant as benign. Based on the evidence outlined above, the variant was classified as benign.

GeneDx
Classification: Benign. Last evaluated: 2015-09-10. Review status: criteria provided, single submitter. Criteria: GeneDx Variant Classification (06012015). Collection method: clinical testing. Allele origin: germline. Affected: yes.
Comment: This variant is considered likely benign or benign based on one or more of the following criteria: it is a conservative change, it occurs at a poorly conserved position in the protein, it is predicted to be benign by multiple in silico algorithms, and/or has population frequency not consistent with disease.

Laboratory for Molecular Medicine, Mass General Brigham Personalized Medicine
Classification: Benign. Last evaluated: 2015-07-29. Review status: criteria provided, single submitter. Criteria: LMM Criteria. Collection method: clinical testing. Allele origin: germline. Observed: 3 variant alleles.
Comment: c.31994-13C>T in intron 158 of TTN: This variant is not expected to have clinica l significance because a C>T change at this position does not diverge from the s plice consensus sequence and is therefore unlikely to impact splicing. It has be en identified in 0.3% (26/8354) of African chromosomes by the Exome Aggregation Consortium (ExAC; dbSNP rs372380420).

Clinical Genetics, Academic Medical Center
Classification: Benign. Review status: no assertion criteria provided. Collection method: clinical testing. Allele origin: germline. Affected: yes. Study: VKGL Data-share Consensus. Not counted in ClinVar's aggregate classification.

Diagnostic Laboratory, Department of Genetics, University Medical Center Groningen
Classification: Likely benign. Review status: no assertion criteria provided. Collection method: clinical testing. Allele origin: germline. Affected: yes. Study: VKGL Data-share Consensus. Not counted in ClinVar's aggregate classification.

NM_001267550.2(TTN):c.39296-13C>T

Gene: TTN (titin; minus strand). Cytogenetic location: 2q31.2.
Variant type: single nucleotide variant.
Coding change: c.39296-13C>T on transcript NM_001267550.2 (MANE Select); 13 bases into the intron before coding-DNA position 39296, C replaced by T.
Molecular consequence: intron variant.
Genome position (GRCh38, 1-based): chr2:178,651,980, G>A on the plus strand (C>T on the coding strand, the complement: TTN is on the minus strand). VCF-style: chr2-178651980-G-A. GRCh37 (hg19) VCF-style: chr2-179516707-G-A.
Other names: c.13283-9663C>T (NM_003319.4); c.13859-9663C>T (NM_133437.4); c.13658-9663C>T (NM_133432.3); c.31994-13C>T (NM_133378.4); c.34775-13C>T (NM_001256850.1).
Identifiers: ClinVar variation 178223 (VCV000178223.22), dbSNP rs372380420, ClinGen allele CA181833.
Genomic context (GRCh38, chr2:178,651,980, plus strand): 5'-CTTCAGCAGGAGGCTCTTCTAGGGCAACTTCCTCAGGCTCCTCGAACACTTTAAAGACAT[G>A]AGCTCATTTTAATGCCAGAATTGACTAAAACTGAGATAGTTTGCAAAAAAATGTTTTTAC-3'